The following is an entry in ClinVar:

NM_000361.3(THBD):c.588G>T (p.Pro196=)

Gene: THBD (thrombomodulin; minus strand). Cytogenetic location: 20p11.21.
Variant type: single nucleotide variant.
Coding change: c.588G>T on transcript NM_000361.3 (MANE Select); coding-DNA position 588, G replaced by T.
Protein change: p.Pro196=; no amino-acid change (proline 196 retained).
Molecular consequence: synonymous variant.
Genome position (GRCh38, 1-based): chr20:23,048,917, C>A on the plus strand (G>T on the coding strand, the complement: THBD is on the minus strand). VCF-style: chr20-23048917-C-A. GRCh37 (hg19) VCF-style: chr20-23029554-C-A.
Identifiers: ClinVar variation 3603602 (VCV003603602.2).

ClinVar aggregate classification (germline): Uncertain significance (1 of 4 stars; one submission).

gnomAD v4.1: 52 of 1,526,814 alleles (0.0034%); highest among the groups gnomAD compares: East Asian, 0.022%; no homozygotes.

Submission:

Labcorp Genetics (formerly Invitae), Labcorp
Classification: Uncertain significance. Last evaluated: 2024-09-04. Review status: criteria provided, single submitter. Criteria: Invitae Variant Classification Sherloc (09022015). Collection method: clinical testing. Allele origin: germline.
Comment: This sequence change affects codon 196 of the THBD mRNA. It is a 'silent' change, meaning that it does not change the encoded amino acid sequence of the THBD protein. The frequency data for this variant in the population databases is considered unreliable, as metrics indicate poor data quality at this position in the gnomAD database. This variant has not been reported in the literature in individuals affected with THBD-related conditions. In summary, the available evidence is currently insufficient to determine the role of this variant in disease. Therefore, it has been classified as a Variant of Uncertain Significance.